The following is an entry in ClinVar:

ClinVar aggregate classification (germline): Pathogenic (1 of 4 stars; one submission).

Conditions:
Early-infantile DEE. Also called: Ohtahara syndrome; Early infantile epileptic encephalopathy; Early infantile epileptic encephalopathy with suppression bursts. Identifiers: Orphanet 1934, MedGen C0393706, MONDO:0800491.

Submission:

Labcorp Genetics (formerly Invitae), Labcorp
Classification: Pathogenic for Early-infantile DEE. Last evaluated: 2023-10-19. Review status: criteria provided, single submitter. Criteria: Invitae Variant Classification Sherloc (09022015). Collection method: clinical testing. Allele origin: germline.
Comment: This sequence change replaces lysine, which is basic and polar, with glutamine, which is neutral and polar, at codon 211 of the GNAO1 protein (p.Lys211Gln). This variant is not present in population databases (gnomAD no frequency). This missense change has been observed in individual(s) with features of GNAO1-related conditions (Invitae). In at least one individual the variant was observed to be de novo. Advanced modeling of protein sequence and biophysical properties (such as structural, functional, and spatial information, amino acid conservation, physicochemical variation, residue mobility, and thermodynamic stability) performed at Invitae indicates that this missense variant is expected to disrupt GNAO1 protein function. For these reasons, this variant has been classified as Pathogenic.

NM_020988.3(GNAO1):c.631A>C (p.Lys211Gln)

Gene: GNAO1 (G protein subunit alpha o1; plus strand). Cytogenetic location: 16q13.
Variant type: single nucleotide variant.
Coding change: c.631A>C on transcript NM_020988.3 (MANE Select); coding-DNA position 631, A replaced by C.
Protein change: p.Lys211Gln; replaces lysine 211 with glutamine.
Molecular consequence: missense variant.
Genome position (GRCh38, 1-based): chr16:56,336,768, A>C. VCF-style: chr16-56336768-A-C. GRCh37 (hg19) VCF-style: chr16-56370680-A-C.
Other names: c.631A>C, p.Lys211Gln (NM_138736.3); short protein forms K211Q.
Identifiers: ClinVar variation 2759489 (VCV002759489.3), dbSNP rs2506876806, ClinGen allele CA395952210.
Genomic context (GRCh38, chr16:56,336,768, plus strand): 5'-TACCAGCTCCCTGCCTCCTACAGGCTGTTTGACGTCGGAGGCCAGCGATCTGAACGCAAG[A>C]AGTGGATCCATTGCTTCGAGGACGTCACGGCCATCATTTTCTGTGTCGCGCTCAGCGGCT-3'
Protein context (NP_066268.1, residues 201-221): DVGGQRSERK[Lys211Gln]WIHCFEDVTA